The following is an entry in ClinVar:

NM_012213.3(MLYCD):c.1013T>C (p.Leu338Pro)

Gene: MLYCD (malonyl-CoA decarboxylase; plus strand). Cytogenetic location: 16q23.3.
Variant type: single nucleotide variant.
Coding change: c.1013T>C on transcript NM_012213.3 (MANE Select); coding-DNA position 1013, T replaced by C.
Protein change: p.Leu338Pro; replaces leucine 338 with proline.
Molecular consequence: missense variant.
Genome position (GRCh38, 1-based): chr16:83,915,020, T>C. VCF-style: chr16-83915020-T-C. GRCh37 (hg19) VCF-style: chr16-83948625-T-C.
Other names: short protein forms L338P.
Identifiers: ClinVar variation 432061 (VCV000432061.3), dbSNP rs374073138, ClinGen allele CA8197484.

ClinVar aggregate classification (germline): Conflicting classifications of pathogenicity. Review status: criteria provided, conflicting classifications (1 of 4 stars). 2 submissions from 2 submitters: Likely pathogenic (1); Uncertain significance (1). Last evaluated 2016-01-21.

Conditions:
Deficiency of malonyl-CoA decarboxylase. Also called: Malonic aciduria; MCD deficiency. Identifiers: Orphanet 943, MedGen C0342793, MONDO:0009556, OMIM 248360.

Allele frequency attached by ClinVar (database versions not stated): gnomAD exomes below 0.00001; ExAC 0.00001; gnomAD 0.00001; TOPMed 0.00002; ESP Exome Variant Server 0.00008.
gnomAD v4.1: 3 of 1,614,112 alleles (0.00019%); highest among the groups gnomAD compares: African/African-American, 0.004%; no homozygotes.

Submissions (2):

GeneDx
Classification: Likely pathogenic. Last evaluated: 2016-01-21. Review status: criteria provided, single submitter. Criteria: GeneDx Variant Classification (06012015). Collection method: clinical testing. Allele origin: germline. Affected: yes.
Comment: The L338P variant has not been published as a pathogenic variant, nor has it been reported as a benign variant to our knowledge. The L338P variant was not observed with any significant frequency in approximately 6500 individuals of European and African American ancestry in the NHLBI Exome Sequencing Project. The L338P variant is a semi-conservative amino acid substitution, which may impact secondary protein structure as these residues differ in some properties. This substitution occurs at a position that is conserved across species. In silico analysis predicts this variant is probably damaging to the protein structure/function. The L338P variant is reported to be located in the catalytic domain of the malonyl-coenzyme A decarboxylase enzyme (Froese et al. 2013). Therefore, this variant is likely pathogenic; however, the possibility that it is benign cannot be excluded.

UNC Molecular Genetics  Laboratory, University of North Carolina at Chapel Hill
Classification: Uncertain significance for Deficiency of malonyl-CoA decarboxylase. Review status: criteria provided, single submitter. Criteria: ACMG Guidelines, 2015. Collection method: research. Allele origin: germline. Affected: yes. Observed: 1 variant allele. Study: NSIGHT-NC NEXUS.
Comment: The MLYCD c.1013T>C (p.L338P) missense variant alters a conserved amino acid residue in the catalytic domain of the encoded protein (PMID 23791943). This variant has not been reported previously in patients with malonyl-coA decarboxylase deficiency, and is a variant of uncertain significance.

Literature cited by the submitters: PubMed 23791943 (cited by UNC Molecular Genetics  Laboratory, University of North Carolina at Chapel Hill).